The following is an entry in ClinVar:

ClinVar aggregate classification (germline): Uncertain significance. Review status: criteria provided, multiple submitters, no conflicts (2 of 4 stars). 3 submissions from 3 submitters: Uncertain significance (3). Last evaluated 2025-09-24.

Conditions:
Charcot-Marie-Tooth disease type 2. Also called: Charcot-Marie-Tooth type 2. Identifiers: Orphanet 64746, MedGen C0270914, MONDO:0018993.
Neuroblastoma (NB). Identifiers: Orphanet 635, MedGen C0027819, MeSH D009447, MONDO:0005072, HP:0003006.

Allele frequency attached by ClinVar (database versions not stated): TOPMed below 0.00001; gnomAD 0.00001 and 0.00003; 1000 Genomes Project 0.00020; ExAC 0.00001; gnomAD exomes 0.00001; 1000 Genomes Project 30x 0.00016.

Submissions (3):

Labcorp Genetics (formerly Invitae), Labcorp
Classification: Uncertain significance for Charcot-Marie-Tooth disease type 2. Last evaluated: 2025-09-24. Review status: criteria provided, single submitter. Criteria: Invitae Variant Classification Sherloc (09022015). Collection method: clinical testing. Allele origin: germline.
Comment: This sequence change replaces alanine, which is neutral and non-polar, with threonine, which is neutral and polar, at codon 1511 of the KIF1B protein (p.Ala1511Thr). This variant is present in population databases (rs200255510, gnomAD 0.006%). This variant has not been reported in the literature in individuals affected with KIF1B-related conditions. ClinVar contains an entry for this variant (Variation ID: 876139). An algorithm developed to predict the effect of missense changes on protein structure and function (PolyPhen-2) suggests that this variant is likely to be disruptive. In summary, the available evidence is currently insufficient to determine the role of this variant in disease. Therefore, it has been classified as a Variant of Uncertain Significance.

Ambry Genetics
Classification: Uncertain significance. Last evaluated: 2024-11-14. Review status: criteria provided, single submitter. Criteria: Ambry Variant Classification Scheme 2023. Collection method: clinical testing. Allele origin: germline.
Comment: The p.A1511T variant (also known as c.4531G>A), located in coding exon 40 of the KIF1B gene, results from a G to A substitution at nucleotide position 4531. The alanine at codon 1511 is replaced by threonine, an amino acid with similar properties. This amino acid position is highly conserved in available vertebrate species. In addition, the in silico prediction for this alteration is inconclusive. The evidence for this gene-disease relationship is limited; therefore, the clinical significance of this alteration is unclear.

Illumina Laboratory Services, Illumina
Classification: Uncertain significance for Neuroblastoma. Last evaluated: 2018-01-13. Review status: criteria provided, single submitter. Criteria: ICSL Variant Classification Criteria 13 December 2019. Collection method: clinical testing. Allele origin: germline.

NM_001365951.3(KIF1B):c.4669G>A (p.Ala1557Thr)

Gene: KIF1B (kinesin family member 1B; plus strand). Cytogenetic location: 1p36.22.
Variant type: single nucleotide variant.
Coding change: c.4669G>A on transcript NM_001365951.3 (MANE Select); coding-DNA position 4669, G replaced by A.
Protein change: p.Ala1557Thr; replaces alanine 1557 with threonine.
Molecular consequence: missense variant.
Genome position (GRCh38, 1-based): chr1:10,365,565, G>A. VCF-style: chr1-10365565-G-A. GRCh37 (hg19) VCF-style: chr1-10425623-G-A.
Other names: c.4669G>A, p.Ala1557Thr (NM_001365952.1); c.4531G>A, p.Ala1511Thr (NM_015074.3); short protein forms A1511T, A1557T.
Identifiers: ClinVar variation 876139 (VCV000876139.18), dbSNP rs200255510, ClinGen allele CA582145.